The following is an entry in ClinVar:

ClinVar aggregate classification (germline): Uncertain significance (1 of 4 stars; one submission).

Conditions:
Cardiovascular phenotype. Identifiers: MedGen CN230736.

Submission:

Ambry Genetics
Classification: Uncertain significance for Cardiovascular phenotype. Last evaluated: 2023-11-01. Review status: criteria provided, single submitter. Criteria: Ambry Variant Classification Scheme 2023. Collection method: clinical testing. Allele origin: germline.
Comment: The p.V135A variant (also known as c.404T>C), located in coding exon 4 of the ANKRD1 gene, results from a T to C substitution at nucleotide position 404. The valine at codon 135 is replaced by alanine, an amino acid with similar properties. This amino acid position is well conserved in available vertebrate species. In addition, this alteration is predicted to be deleterious by in silico analysis. The evidence for this gene-disease relationship is limited; therefore, the clinical significance of this alteration is unclear.

NM_014391.3(ANKRD1):c.404T>C (p.Val135Ala)

Gene: ANKRD1 (ankyrin repeat domain 1; minus strand). Cytogenetic location: 10q23.31.
Variant type: single nucleotide variant.
Coding change: c.404T>C on transcript NM_014391.3 (MANE Select); coding-DNA position 404, T replaced by C.
Protein change: p.Val135Ala; replaces valine 135 with alanine.
Molecular consequence: missense variant.
Genome position (GRCh38, 1-based): chr10:90,918,914, A>G on the plus strand (T>C on the coding strand, the complement: ANKRD1 is on the minus strand). VCF-style: chr10-90918914-A-G. GRCh37 (hg19) VCF-style: chr10-92678671-A-G.
Other names: short protein forms V135A.
Identifiers: ClinVar variation 3226305 (VCV003226305.1), dbSNP rs995351186, ClinGen allele CA377552230.